The following is an entry in ClinVar:

ClinVar aggregate classification (germline): Likely pathogenic. Review status: criteria provided, multiple submitters, no conflicts (2 of 4 stars). 2 submissions from 2 submitters: Likely pathogenic (2). Last evaluated 2026-02-11.

Conditions:
Neurodevelopmental disorder with hypotonia, brain anomalies, distinctive facies, and absent language. Also called: ReNU SYNDROME; RNU4-2-Related Neurodevelopmental Disorder; RNU4-2–Related Autosomal Dominant Neurodevelopmental Disorder. Identifiers: Orphanet 686488, MedGen C5935628, MONDO:0971172, OMIM 620851.
Autosomal recessive RNU4-2-related neurodevelopmental disorder.

gnomAD v4.1: 1 of 152,090 alleles (0.00066%); highest among the groups gnomAD compares: South Asian, 0.021%; no homozygotes.

Submissions (2):

Centre for Population Genomics, CPG
Classification: Likely pathogenic for RNU4-2-Related Neurodevelopmental Disorder. Last evaluated: 2026-02-11. Review status: criteria provided, single submitter. Criteria: Ellingford et al. (Genome Med. 2022). Collection method: research. Allele origin: germline. Inheritance: Autosomal recessive inheritance. Affected: yes. Observed: 2 variant alleles, 2 compound heterozygotes.
Comment: PM2_supp,PS3_supp,PM1,PM5

Undiagnosed Diseases Network, NIH
Classification: Likely pathogenic for Autosomal recessive RNU4-2-related neurodevelopmental disorder. Last evaluated: 2025-08-07. Review status: criteria provided, single submitter. Criteria: ACMG Guidelines, 2015. Collection method: clinical testing. Allele origin: maternal. Affected: yes. Observed: 2 variant alleles, 2 compound heterozygotes. Clinical features observed: Microcephaly (HP:0000252), Exotropia (HP:0000577), Ataxia (HP:0001251), Global developmental delay (HP:0001263), Motor delay (HP:0001270), Absent speech (HP:0001344), Joint stiffness (HP:0001387), Failure to thrive (HP:0001508), Pes planus (HP:0001763), Gait ataxia (HP:0002066), Broad-based gait (HP:0002136), Simple febrile seizure (HP:0011171), and 4 more. Study: Undiagnosed Diseases Network (NIH), UDN.
Comment: See preprint DOI 10.1101/2025.08.13.25333306.

Literature cited by the submitters: PubMed 40297424 (cited by Undiagnosed Diseases Network, NIH).

NR_003137.3(RNU4-2):n.46G>A

Genes: RNU4-2 (RNA, U4 small nuclear 2; minus strand), SIRT4 (sirtuin 4; plus strand). Cytogenetic location: 12q24.23.
Variant type: single nucleotide variant.
Molecular consequence: non-coding transcript variant (on NR_003137.3).
Genome position: GRCh38 VCF-style: chr12-120291858-C-T. GRCh37 (hg19) VCF-style: chr12-120729661-C-T.
Identifiers: ClinVar variation 4277366 (VCV004277366.2).
Genomic context (GRCh38, chr12:120,291,858, plus strand): 5'-CTATATTTCAAGTCGTCATGGCGGGGTATTGGGAAAAGTTTTCAATTAGCAATAATCGCG[C>T]CTCGGATAAACCTCATTGGCTACGATACTGCCACTGCGCAAAGCTGGAAAGGTTCTGTTC-3'